The following is an entry in ClinVar:

ClinVar aggregate classification (germline): Likely benign (1 of 4 stars; one submission).

gnomAD v4.1: 114 of 1,611,462 alleles (0.0071%); highest among the groups gnomAD compares: African/African-American, 0.13%; no homozygotes.

Submission:

CeGaT Center for Human Genetics Tuebingen
Classification: Likely benign. Last evaluated: 2025-07-01. Review status: criteria provided, single submitter. Criteria: CeGaT Center For Human Genetics Tuebingen Variant Classification Criteria Version 2. Collection method: clinical testing. Allele origin: germline. Affected: yes. Observed: 1 variant allele.
Comment: TBC1D2B: BP4, BP7

NM_144572.2(TBC1D2B):c.513T>C (p.Thr171=)

Gene: TBC1D2B (TBC1 domain family member 2B; minus strand). Cytogenetic location: 15q25.1.
Variant type: single nucleotide variant.
Coding change: c.513T>C on transcript NM_144572.2 (MANE Select); coding-DNA position 513, T replaced by C.
Protein change: p.Thr171=; no amino-acid change (threonine 171 retained).
Molecular consequence: synonymous variant.
Genome position (GRCh38, 1-based): chr15:78,054,035, A>G on the plus strand (T>C on the coding strand, the complement: TBC1D2B is on the minus strand). VCF-style: chr15-78054035-A-G. GRCh37 (hg19) VCF-style: chr15-78346377-A-G.
Other names: c.513T>C, p.Thr171= (NM_001387142.1, NM_001387143.1, NM_001387144.1 and 1 more transcripts); c.177T>C, p.Thr59= (NM_001387145.1, NM_001387146.1, NM_001387147.1 and 2 more transcripts).
Identifiers: ClinVar variation 4084275 (VCV004084275.8).